The following is an entry in ClinVar:

NM_000059.4(BRCA2):c.5061_5062insCATTACTTCATTACTT (p.Glu1688delinsHisTyrPheIleThrTer)

Gene: BRCA2 (BRCA2 DNA repair associated; plus strand). Cytogenetic location: 13q13.1.
Variant type: Microsatellite.
Coding change: c.5061_5062insCATTACTTCATTACTT on transcript NM_000059.4 (MANE Select); coding-DNA positions 5061 to 5062, CATTACTTCATTACTT inserted.
Protein change: p.Glu1688delinsHisTyrPheIleThrTer.
Molecular consequence: nonsense. On other transcripts: non-coding transcript variant (1), intron variant (2).
Genome position: GRCh38 VCF-style: chr13-32339404-G-GACTTCATTACTTCATT. GRCh37 (hg19) VCF-style: chr13-32913541-G-GACTTCATTACTTCATT.
Other names: c.5061_5062insCATTACTTCATTACTT, p.Glu1688delinsHisTyrPheIleThrTer (NM_001406719.1, NM_001406720.1); c.1910-5142_1910-5141insCATTACTTCATTACTT (NM_001406721.1); c.425-5142_425-5141insCATTACTTCATTACTT (NM_001406722.1).
Identifiers: ClinVar variation 2674502 (VCV002674502.1), dbSNP rs2548529908, ClinGen allele CA2695199700.

ClinVar aggregate classification (germline): Pathogenic (1 of 4 stars; one submission).

Conditions:
Breast-ovarian cancer, familial, susceptibility to, 2 (BROVCA2). Also called: BRCA2 Hereditary Breast and Ovarian Cancer. Identifiers: Orphanet 145, MedGen C2675520, MONDO:0012933, OMIM 612555. Disease mechanism: loss of function.

Submission:

Myriad Genetics, Inc.
Classification: Pathogenic for Breast-ovarian cancer, familial, susceptibility to, 2. Last evaluated: 2023-07-18. Review status: criteria provided, single submitter. Criteria: Myriad Autosomal Dominant, Autosomal Recessive and X-Linked Classification Criteria (2023). Collection method: clinical testing. Allele origin: unknown.
Comment: This variant is considered pathogenic. This variant creates a frameshift predicted to result in premature protein truncation.